The following is an entry in ClinVar:

ClinVar aggregate classification (germline): Uncertain significance (1 of 4 stars; one submission).

Conditions:
Medium-chain acyl-coenzyme A dehydrogenase deficiency (ACADMD). Also called: Medium chain acyl-CoA dehydrogenase deficiency; MCAD Deficiency; ACADM DEFICIENCY; MCADH DEFICIENCY; CARNITINE DEFICIENCY SECONDARY TO MEDIUM-CHAIN ACYL-CoA DEHYDROGENASE DEFICIENCY; MCADD. Identifiers: Orphanet 42, MedGen C0220710, MONDO:0008721, OMIM 201450.

Allele frequency attached by ClinVar (database versions not stated): TOPMed 0.00001; gnomAD 0.00003.
gnomAD v4.1: 25 of 1,612,854 alleles (0.0016%); highest among the groups gnomAD compares: Non-Finnish European, 0.002%; no homozygotes.

Submission:

Labcorp Genetics (formerly Invitae), Labcorp
Classification: Uncertain significance for Medium-chain acyl-coenzyme A dehydrogenase deficiency. Last evaluated: 2025-01-13. Review status: criteria provided, single submitter. Criteria: Invitae Variant Classification Sherloc (09022015). Collection method: clinical testing. Allele origin: germline.
Comment: This sequence change replaces lysine, which is basic and polar, with glutamine, which is neutral and polar, at codon 178 of the ACADM protein (p.Lys178Gln). This variant is present in population databases (rs748967113, gnomAD 0.003%). This variant has not been reported in the literature in individuals affected with ACADM-related conditions. ClinVar contains an entry for this variant (Variation ID: 2143403). Invitae Evidence Modeling of protein sequence and biophysical properties (such as structural, functional, and spatial information, amino acid conservation, physicochemical variation, residue mobility, and thermodynamic stability) indicates that this missense variant is not expected to disrupt ACADM protein function with a negative predictive value of 80%. In summary, the available evidence is currently insufficient to determine the role of this variant in disease. Therefore, it has been classified as a Variant of Uncertain Significance.

NM_000016.6(ACADM):c.532A>C (p.Lys178Gln)

Gene: ACADM (acyl-CoA dehydrogenase medium chain; plus strand). Cytogenetic location: 1p31.1.
Variant type: single nucleotide variant.
Coding change: c.532A>C on transcript NM_000016.6 (MANE Select); coding-DNA position 532, A replaced by C.
Protein change: p.Lys178Gln; replaces lysine 178 with glutamine.
Molecular consequence: missense variant. On other transcripts: 5 prime UTR variant (1).
Genome position (GRCh38, 1-based): chr1:75,740,043, A>C. VCF-style: chr1-75740043-A-C. GRCh37 (hg19) VCF-style: chr1-76205728-A-C.
Other names: c.544A>C, p.Lys182Gln (NM_001127328.3); c.424A>C, p.Lys142Gln (NM_001286042.2); c.631A>C, p.Lys211Gln (NM_001286043.2); c.-36A>C (NM_001286044.2); short protein forms K211Q, K178Q, K182Q, K142Q.
Identifiers: ClinVar variation 2143403 (VCV002143403.2), dbSNP rs748967113, ClinGen allele CA913132.